The following is an entry in ClinVar:

ClinVar aggregate classification (germline): Uncertain significance (1 of 4 stars; one submission).

Conditions:
Intellectual developmental disorder, X-linked, syndromic, Snyder-Robinson type. Also called: X-linked mental retardation Snyder - Robinson type; SNYDER-ROBINSON MENTAL RETARDATION SYNDROME; Spermine synthase deficiency; Syndromic X-linked intellectual disability Snyder type. Identifiers: Orphanet 3063, MedGen C0796160, MONDO:0010664, OMIM 309583.

Submission:

Wales Gene Park, Division Of Cancer and Genetics, Cardiff University
Classification: Uncertain significance for Intellectual developmental disorder, X-linked, syndromic, Snyder-Robinson type. Last evaluated: 2026-04-28. Review status: criteria provided, single submitter. Criteria: ACGS Best Practice Guidelines for Variant Classification in Rare Disease 2024. Collection method: research. Allele origin: maternal. Inheritance: X-linked inheritance. Study: 100,000 Genomes Project (Wales).
Comment: Inherited hemizygous SMS start loss variant detected by trio genome sequencing. Not present in gnomAD (v4.1.1). REVEL score neutral 0.486. Start loss but alternative start site after 11 codons. There are alternative transcripts that use different start codons. Evidence codes: PM2.

NM_004595.5(SMS):c.1A>G (p.Met1Val)

Genes: SMS (spermine synthase; plus strand), LOC130068040 (ATAC-STARR-seq lymphoblastoid silent region 20700; plus strand). Cytogenetic location: Xp22.11.
Variant type: single nucleotide variant.
Coding change: c.1A>G on transcript NM_004595.5 (MANE Select); coding-DNA position 1, A replaced by G.
Protein change: p.Met1Val; changes the start codon (methionine 1).
Molecular consequence: missense variant, initiator codon variant.
Genome position (GRCh38, 1-based): chrX:21,940,825, A>G. VCF-style: chrX-21940825-A-G. GRCh37 (hg19) VCF-style: chrX-21958943-A-G.
Other names: c.1A>G, p.Met1Val (NM_001258423.2); short protein forms M1V.
Identifiers: ClinVar variation 4880224 (VCV004880224.1).